The following is an entry in ClinVar:

NM_001024383.2(NAV3):c.1054C>T (p.Gln352Ter)

Gene: NAV3 (neuron navigator 3; plus strand). Cytogenetic location: 12q21.2.
Variant type: single nucleotide variant.
Coding change: c.1054C>T on transcript NM_001024383.2 (MANE Select); coding-DNA position 1054, C replaced by T.
Protein change: p.Gln352Ter; replaces glutamine 352 with a stop codon.
Molecular consequence: nonsense.
Genome position (GRCh38, 1-based): chr12:78,006,592, C>T. VCF-style: chr12-78006592-C-T. GRCh37 (hg19) VCF-style: chr12-78400372-C-T.
Other names: c.1054C>T, p.Gln352Ter (NM_014903.6); short protein forms Q352*.
Identifiers: ClinVar variation 3767651 (VCV003767651.1).

ClinVar aggregate classification (germline): Uncertain significance (1 of 4 stars; one submission).

Submission:

GeneDx
Classification: Uncertain significance. Last evaluated: 2024-01-02. Review status: criteria provided, single submitter. Criteria: GeneDx Variant Classification Process June 2021. Collection method: clinical testing. Allele origin: germline. Affected: yes.
Comment: Nonsense variant predicted to result in protein truncation or nonsense mediated decay in a gene for which loss-of-function is not an established mechanism of disease; Not observed at significant frequency in large population cohorts (gnomAD); Has not been previously published as pathogenic or benign to our knowledge; Variants in candidate genes are classified as variants of uncertain significance in accordance with ACMG guidelines (PMID: 25741868)